The following is an entry in ClinVar:

ClinVar aggregate classification (germline): Uncertain significance (1 of 4 stars; one submission).

gnomAD v4.1: 1 of 1,612,590 alleles (0.000062%); highest among the groups gnomAD compares: Non-Finnish European, 0.000085%; no homozygotes.

Submission:

GeneDx
Classification: Uncertain significance. Last evaluated: 2023-10-25. Review status: criteria provided, single submitter. Criteria: GeneDx Variant Classification Process June 2021. Collection method: clinical testing. Allele origin: germline. Affected: yes.
Comment: Not observed at significant frequency in large population cohorts (gnomAD); In silico analysis supports that this missense variant does not alter protein structure/function; Has not been previously published as pathogenic or benign to our knowledge

NM_004733.4(SLC33A1):c.896A>G (p.Lys299Arg)

Gene: SLC33A1 (solute carrier family 33 member 1; minus strand). Cytogenetic location: 3q25.31.
Variant type: single nucleotide variant.
Coding change: c.896A>G on transcript NM_004733.4 (MANE Select); coding-DNA position 896, A replaced by G.
Protein change: p.Lys299Arg; replaces lysine 299 with arginine.
Molecular consequence: missense variant. On other transcripts: intron variant (1).
Genome position (GRCh38, 1-based): chr3:155,842,499, T>C on the plus strand (A>G on the coding strand, the complement: SLC33A1 is on the minus strand). VCF-style: chr3-155842499-T-C. GRCh37 (hg19) VCF-style: chr3-155560288-T-C.
Other names: c.896A>G, p.Lys299Arg (NM_001190992.2); c.776-8458A>G (NM_001363883.1); short protein forms K299R.
Identifiers: ClinVar variation 3363307 (VCV003363307.1).